The following is an entry in ClinVar:

NM_002474.3(MYH11):c.1248+3A>G

Gene: MYH11 (myosin heavy chain 11; minus strand). Cytogenetic location: 16p13.11.
Variant type: single nucleotide variant.
Coding change: c.1248+3A>G on transcript NM_002474.3 (MANE Select); 3 bases into the intron after coding-DNA position 1248, A replaced by G.
Molecular consequence: intron variant.
Genome position (GRCh38, 1-based): chr16:15,760,537, T>C on the plus strand (A>G on the coding strand, the complement: MYH11 is on the minus strand). VCF-style: chr16-15760537-T-C. GRCh37 (hg19) VCF-style: chr16-15854394-T-C.
Other names: c.1248+3A>G (NM_022844.3); c.1269+3A>G (NM_001040114.2, NM_001040113.2).
Identifiers: ClinVar variation 4717786 (VCV004717786.1).

ClinVar aggregate classification (germline): Uncertain significance (1 of 4 stars; one submission).

Conditions:
Aortic aneurysm, familial thoracic 4 (AAT4). Also called: AORTIC ANEURYSM/AORTIC DISSECTION AND PATENT DUCTUS ARTERIOSUS. Identifiers: MedGen C1851504, MONDO:0007568, OMIM 132900.

Submission:

Labcorp Genetics (formerly Invitae), Labcorp
Classification: Uncertain significance for Aortic aneurysm, familial thoracic 4. Last evaluated: 2025-04-25. Review status: criteria provided, single submitter. Criteria: Invitae Variant Classification Sherloc (09022015). Collection method: clinical testing. Allele origin: germline.
Comment: This sequence change falls in intron 12 of the MYH11 gene. It does not directly change the encoded amino acid sequence of the MYH11 protein. It affects a nucleotide within the consensus splice site. This variant is not present in population databases (gnomAD no frequency). This variant has not been reported in the literature in individuals affected with MYH11-related conditions. Variants that disrupt the consensus splice site are a relatively common cause of aberrant splicing (PMID: 17576681, 9536098). Algorithms developed to predict the effect of sequence changes on RNA splicing suggest that this variant is not likely to affect RNA splicing. In summary, the available evidence is currently insufficient to determine the role of this variant in disease. Therefore, it has been classified as a Variant of Uncertain Significance.

Literature cited by the submitters: PubMed 17576681; PubMed 9536098.